The following is an entry in ClinVar:

NM_004171.4(SLC1A2):c.563T>C (p.Ile188Thr)

Gene: SLC1A2 (solute carrier family 1 member 2; minus strand). Cytogenetic location: 11p13.
Variant type: single nucleotide variant.
Coding change: c.563T>C on transcript NM_004171.4 (MANE Select); coding-DNA position 563, T replaced by C.
Protein change: p.Ile188Thr; replaces isoleucine 188 with threonine.
Molecular consequence: missense variant.
Genome position (GRCh38, 1-based): chr11:35,306,241, A>G on the plus strand (T>C on the coding strand, the complement: SLC1A2 is on the minus strand). VCF-style: chr11-35306241-A-G. GRCh37 (hg19) VCF-style: chr11-35327788-A-G.
Other names: c.536T>C, p.Ile179Thr (NM_001195728.3, NM_001252652.2, NM_001439341.1); c.551T>C, p.Ile184Thr (NM_001439342.1); c.563T>C, p.Ile188Thr (NM_001439343.1); short protein forms I179T, I184T, I188T.
Identifiers: ClinVar variation 4537127 (VCV004537127.1).

ClinVar aggregate classification (germline): Uncertain significance (1 of 4 stars; one submission).

Submission:

Women's Health and Genetics/Laboratory Corporation of America, LabCorp
Classification: Uncertain significance. Last evaluated: 2025-11-26. Review status: criteria provided, single submitter. Criteria: LabCorp Variant Classification Summary - May 2015. Collection method: clinical testing. Allele origin: germline.
Comment: Variant summary: SLC1A2 c.563T>C (p.Ile188Thr) results in a non-conservative amino acid change in the encoded protein sequence. Algorithms developed to predict the effect of missense changes on protein structure and function are either unavailable or do not agree on the potential impact of this missense change. Consensus agreement among computation tools predict no significant impact on normal splicing. However, these predictions have yet to be confirmed by functional studies. The variant was absent in 250706 control chromosomes. The available data on variant occurrences in the general population are insufficient to allow any conclusion about variant significance. To our knowledge, no occurrence of c.563T>C in individuals affected with SLC1A2-related conditions and no experimental evidence demonstrating its impact on protein function have been reported. No submitters have cited clinical-significance assessments for this variant to ClinVar. Based on the evidence outlined above, the variant was classified as uncertain significance.